The following is an entry in ClinVar:

NM_198076.6(COX20):c.222-3A>C

Gene: COX20 (cytochrome c oxidase assembly factor COX20; plus strand). Cytogenetic location: 1q44.
Variant type: single nucleotide variant.
Coding change: c.222-3A>C on transcript NM_198076.6 (MANE Select); 3 bases into the intron before coding-DNA position 222, A replaced by C.
Molecular consequence: intron variant.
Genome position (GRCh38, 1-based): chr1:244,843,038, A>C. VCF-style: chr1-244843038-A-C. GRCh37 (hg19) VCF-style: chr1-245006340-A-C.
Other names: c.222-3A>C (NM_001312871.1); c.258-3A>C (NM_001312872.1); c.32-3A>C (NM_001312874.1); c.87-3A>C (NM_001312873.1).
Identifiers: ClinVar variation 382376 (VCV000382376.4), dbSNP rs200065889, ClinGen allele CA1486169.
Genomic context (GRCh38, chr1:244,843,038, plus strand): 5'-TTTCATAAATTAATTTCTGTAGGACTTTATATTAACAATTTATTCATATTCTTTTCTTCT[A>C]AGGTTTCATTGTAGGTATAATTATGCAAAGCAAAGAATCCAGGAAAGAATTGCCAGAGAA-3'

ClinVar aggregate classification (germline): Conflicting classifications of pathogenicity. Review status: criteria provided, conflicting classifications (1 of 4 stars). 4 submissions from 4 submitters: Uncertain significance (2); Likely benign (2). Last evaluated 2022-08-06.

Conditions:
Mitochondrial complex IV deficiency, nuclear type 11. Also called: Mitochondrial complex 4 deficiency, nuclear type 11. Identifiers: MedGen C5436694, MONDO:0033645, OMIM 619054.
Inborn genetic diseases. Identifiers: MedGen C0950123, MeSH D030342.

Allele frequency attached by ClinVar (database versions not stated): gnomAD 0.00003; TOPMed 0.00007; ExAC 0.00016.
gnomAD v4.1: 25 of 1,538,048 alleles (0.0016%); highest among the groups gnomAD compares: Admixed American, 0.055%; no homozygotes.

Submissions (4):

Labcorp Genetics (formerly Invitae), Labcorp
Classification: Uncertain significance. Last evaluated: 2022-08-06. Review status: criteria provided, single submitter. Criteria: Invitae Variant Classification Sherloc (09022015). Collection method: clinical testing. Allele origin: germline.
Comment: This sequence change falls in intron 3 of the COX20 gene. It does not directly change the encoded amino acid sequence of the COX20 protein. It affects a nucleotide within the consensus splice site. This variant is present in population databases (rs200065889, gnomAD 0.1%). This variant has not been reported in the literature in individuals affected with COX20-related conditions. ClinVar contains an entry for this variant (Variation ID: 382376). Variants that disrupt the consensus splice site are a relatively common cause of aberrant splicing (PMID: 17576681, 9536098). Algorithms developed to predict the effect of sequence changes on RNA splicing suggest that this variant may disrupt the consensus splice site. In summary, the available evidence is currently insufficient to determine the role of this variant in disease. Therefore, it has been classified as a Variant of Uncertain Significance.

Ambry Genetics
Classification: Uncertain significance for Inborn genetic diseases. Last evaluated: 2022-07-12. Review status: criteria provided, single submitter. Criteria: Ambry Variant Classification Scheme 2023. Collection method: clinical testing. Allele origin: germline.
Comment: The c.222-3A>C intronic alteration consists of an A to C substitution 3 nucleotides before exon 4 (coding exon 4) of the COX20 gene. Based on insufficient or conflicting evidence, the clinical significance of this alteration remains unclear.

Fulgent Genetics
Classification: Likely benign for Mitochondrial complex IV deficiency, nuclear type 11. Last evaluated: 2022-05-11. Review status: criteria provided, single submitter. Criteria: ACMG Guidelines, 2015. Collection method: clinical testing. Allele origin: unknown.

GeneDx
Classification: Likely benign. Last evaluated: 2016-02-08. Review status: criteria provided, single submitter. Criteria: GeneDx Variant Classification (06012015). Collection method: clinical testing. Allele origin: germline. Affected: yes.
Comment: This variant is considered likely benign or benign based on one or more of the following criteria: it is a conservative change, it occurs at a poorly conserved position in the protein, it is predicted to be benign by multiple in silico algorithms, and/or has population frequency not consistent with disease.

Literature cited by the submitters: PubMed 17576681 (cited by Labcorp Genetics (formerly Invitae), Labcorp); PubMed 9536098 (cited by Labcorp Genetics (formerly Invitae), Labcorp).